The following is an entry in ClinVar:

ClinVar aggregate classification (germline): Uncertain significance. Review status: criteria provided, multiple submitters, no conflicts (2 of 4 stars). 3 submissions from 3 submitters: Uncertain significance (3). Last evaluated 2024-10-11.

Conditions:
Ataxia-telangiectasia syndrome (AT). Also called: Ataxia-telangiectasia; LOUIS-BAR SYNDROME; AT, COMPLEMENTATION GROUP C; Ataxia-telangiectasia, complementation group E; Ataxia telangiectasia (A-T); Cerebello-oculocutaneous telangiectasia. Identifiers: Orphanet 100, MedGen C0004135, MONDO:0008840, OMIM 208900.
Hereditary cancer-predisposing syndrome. Also called: Tumor predisposition; Hereditary neoplastic syndrome; Hereditary Cancer Syndrome; Neoplastic Syndromes, Hereditary. Identifiers: Orphanet 140162, MedGen C0027672, MeSH D009386, MONDO:0015356.

gnomAD v4.1: 2 of 1,499,468 alleles (0.00013%); highest among the groups gnomAD compares: Admixed American, 0.0017%; no homozygotes.

Submissions (3):

Ambry Genetics
Classification: Uncertain significance for Hereditary cancer-predisposing syndrome. Last evaluated: 2024-10-11. Review status: criteria provided, single submitter. Criteria: Ambry Variant Classification Scheme 2023. Collection method: clinical testing. Allele origin: germline.
Comment: The p.I1244T variant (also known as c.3731T>C), located in coding exon 24 of the ATM gene, results from a T to C substitution at nucleotide position 3731. The isoleucine at codon 1244 is replaced by threonine, an amino acid with similar properties. This amino acid position is conserved. In addition, this alteration is predicted to be tolerated by in silico analysis. Based on the available evidence, the clinical significance of this variant remains unclear.

GeneDx
Classification: Uncertain significance. Last evaluated: 2024-04-01. Review status: criteria provided, single submitter. Criteria: GeneDx Variant Classification Process June 2021. Collection method: clinical testing. Allele origin: germline. Affected: yes.
Comment: Not observed at significant frequency in large population cohorts (gnomAD); In silico analysis supports that this missense variant does not alter protein structure/function; Has not been previously published as pathogenic or benign to our knowledge

Labcorp Genetics (formerly Invitae), Labcorp
Classification: Uncertain significance for Ataxia-telangiectasia syndrome. Last evaluated: 2023-09-29. Review status: criteria provided, single submitter. Criteria: Invitae Variant Classification Sherloc (09022015). Collection method: clinical testing. Allele origin: germline.
Comment: This variant is not present in population databases (gnomAD no frequency). This sequence change replaces isoleucine, which is neutral and non-polar, with threonine, which is neutral and polar, at codon 1244 of the ATM protein (p.Ile1244Thr). This variant has not been reported in the literature in individuals affected with ATM-related conditions. ClinVar contains an entry for this variant (Variation ID: 1442682). An algorithm developed to predict the effect of missense changes on protein structure and function (PolyPhen-2) suggests that this variant is likely to be tolerated. In summary, the available evidence is currently insufficient to determine the role of this variant in disease. Therefore, it has been classified as a Variant of Uncertain Significance.

NM_000051.4(ATM):c.3731T>C (p.Ile1244Thr)

Gene: ATM (ATM serine/threonine kinase; plus strand). Cytogenetic location: 11q22.3.
Variant type: single nucleotide variant.
Coding change: c.3731T>C on transcript NM_000051.4 (MANE Select); coding-DNA position 3731, T replaced by C.
Protein change: p.Ile1244Thr; replaces isoleucine 1244 with threonine.
Molecular consequence: missense variant.
Genome position (GRCh38, 1-based): chr11:108,282,864, T>C. VCF-style: chr11-108282864-T-C. GRCh37 (hg19) VCF-style: chr11-108153591-T-C.
Other names: c.3731T>C (NM_000051.3); c.3731T>C, p.Ile1244Thr (NM_001351834.2); short protein forms I1244T.
Identifiers: ClinVar variation 1442682 (VCV001442682.8), dbSNP rs1159658224, ClinGen allele CA382523810.